The following is an entry in ClinVar:

NM_007194.4(CHEK2):c.1408G>T (p.Asp470Tyr)

Gene: CHEK2 (checkpoint kinase 2; minus strand). Cytogenetic location: 22q12.1.
Variant type: single nucleotide variant.
Coding change: c.1408G>T on transcript NM_007194.4 (MANE Select); coding-DNA position 1408, G replaced by T.
Protein change: p.Asp470Tyr; replaces aspartic acid 470 with tyrosine.
Molecular consequence: missense variant.
Genome position (GRCh38, 1-based): chr22:28,694,085, C>A on the plus strand (G>T on the coding strand, the complement: CHEK2 is on the minus strand). VCF-style: chr22-28694085-C-A. GRCh37 (hg19) VCF-style: chr22-29090073-C-A.
Other names: c.1537G>T, p.Asp513Tyr (NM_001005735.3); c.745G>T, p.Asp249Tyr (NM_001257387.3); c.1207G>T, p.Asp403Tyr (NM_001349956.3); c.1321G>T, p.Asp441Tyr (NM_145862.3); short protein forms D470Y, D249Y, D403Y, D441Y, D513Y.
Identifiers: ClinVar variation 234640 (VCV000234640.7), dbSNP rs876658449, ClinGen allele CA10577626.
Genomic context (GRCh38, chr22:28,694,085, plus strand): 5'-CACCCACCTGAAGCCACGGGTGTCTTAAGGCTTCTTCTGTCGTAAAACGTGCCTTTGGAT[C>A]CACTACCAACAACTTCTTGACAAGGTCCAGAGCTAAAGCAACAATTGGGCAAATCACAGT-3'
Protein context (NP_009125.1, residues 460-480): LDLVKKLLVV[Asp470Tyr]PKARFTTEEA

ClinVar aggregate classification (germline): Uncertain significance. Review status: criteria provided, multiple submitters, no conflicts (2 of 4 stars). 3 submissions from 3 submitters: Uncertain significance (3). Last evaluated 2023-06-29.

Conditions:
Familial cancer of breast. Also called: BREAST CANCER, FAMILIAL; hereditary breast carcinoma; Hereditary breast cancer. Identifiers: Orphanet 227535, MedGen C0346153, MONDO:0016419, OMIM 114480. Disease mechanism: loss of function.

Submissions (3):

Baylor Genetics
Classification: Uncertain significance for Familial cancer of breast. Last evaluated: 2023-06-29. Review status: criteria provided, single submitter. Criteria: ACMG Guidelines, 2015. Collection method: clinical testing. Allele origin: unknown.

Labcorp Genetics (formerly Invitae), Labcorp
Classification: Uncertain significance for Familial cancer of breast. Last evaluated: 2022-02-19. Review status: criteria provided, single submitter. Criteria: Invitae Variant Classification Sherloc (09022015). Collection method: clinical testing. Allele origin: germline.
Comment: This sequence change replaces aspartic acid, which is acidic and polar, with tyrosine, which is neutral and polar, at codon 470 of the CHEK2 protein (p.Asp470Tyr). This variant is not present in population databases (gnomAD no frequency). This variant has not been reported in the literature in individuals affected with CHEK2-related conditions. ClinVar contains an entry for this variant (Variation ID: 234640). Algorithms developed to predict the effect of missense changes on protein structure and function are either unavailable or do not agree on the potential impact of this missense change (SIFT: "Deleterious"; PolyPhen-2: "Probably Damaging"; Align-GVGD: "Class C15"). In summary, the available evidence is currently insufficient to determine the role of this variant in disease. Therefore, it has been classified as a Variant of Uncertain Significance.

GeneDx
Classification: Uncertain significance. Last evaluated: 2015-11-18. Review status: criteria provided, single submitter. Criteria: GeneDx Variant Classification (06012015). Collection method: clinical testing. Allele origin: germline. Affected: yes.
Comment: This variant is denoted CHEK2 c.1408G>T at the cDNA level, p.Asp470Tyr (D470Y) at the protein level, and results in the change of an Aspartic Acid to a Tyrosine (GAT>TAT). This variant has not, to our knowledge, been published in the literature as pathogenic or benign. CHEK2 Asp470Tyr was not observed in approximately 6,500 individuals of European and African American ancestry in the NHLBI Exome Sequencing Project, suggesting it is not a common benign variant in these populations. Since Aspartic Acid and Tyrosine differ in polarity, charge, size or other properties, this is considered a non-conservative amino acid substitution. CHEK2 Asp470Tyr occurs at a position that is conserved across species and is located in the kinase domain (Roeb 2012, UniProt). In silico analyses predict that this variant is probably damaging to protein structure and function. Based on currently available evidence, it is unclear whether CHEK2 Asp470Tyr is a pathogenic or benign variant. We consider it to be a variant of uncertain significance.